The following is an entry in ClinVar:

ClinVar aggregate classification (germline): Uncertain significance. Review status: criteria provided, multiple submitters, no conflicts (2 of 4 stars). 2 submissions from 2 submitters: Uncertain significance (2). Last evaluated 2024-08-28.

Conditions:
Transcobalamin II deficiency (TCN2D). Also called: Transcolabamin II deficiency; TC II DEFICIENCY; TCN2 DEFICIENCY. Identifiers: Orphanet 859, MedGen C0342701, MONDO:0010149, OMIM 275350.
Inborn genetic diseases. Identifiers: MedGen C0950123, MeSH D030342.

Allele frequency attached by ClinVar (database versions not stated): gnomAD exomes below 0.00001 and 0.00001; ExAC 0.00001; TOPMed 0.00001.

Submissions (2):

Ambry Genetics
Classification: Uncertain significance for Inborn genetic diseases. Last evaluated: 2024-08-28. Review status: criteria provided, single submitter. Criteria: Ambry Variant Classification Scheme 2023. Collection method: clinical testing. Allele origin: germline.

Labcorp Genetics (formerly Invitae), Labcorp
Classification: Uncertain significance for Transcobalamin II deficiency. Last evaluated: 2022-09-01. Review status: criteria provided, single submitter. Criteria: Invitae Variant Classification Sherloc (09022015). Collection method: clinical testing. Allele origin: germline.
Comment: This sequence change replaces glycine, which is neutral and non-polar, with glutamic acid, which is acidic and polar, at codon 352 of the TCN2 protein (p.Gly352Glu). This variant is present in population databases (rs778691896, gnomAD 0.0009%). This variant has not been reported in the literature in individuals affected with TCN2-related conditions. ClinVar contains an entry for this variant (Variation ID: 1438346). Algorithms developed to predict the effect of missense changes on protein structure and function are either unavailable or do not agree on the potential impact of this missense change (SIFT: "Tolerated"; PolyPhen-2: "Probably Damaging"; Align-GVGD: "Class C0"). In summary, the available evidence is currently insufficient to determine the role of this variant in disease. Therefore, it has been classified as a Variant of Uncertain Significance.

NM_000355.4(TCN2):c.1055G>A (p.Gly352Glu)

Gene: TCN2 (transcobalamin 2; plus strand). Cytogenetic location: 22q12.2.
Variant type: single nucleotide variant.
Coding change: c.1055G>A on transcript NM_000355.4 (MANE Select); coding-DNA position 1055, G replaced by A.
Protein change: p.Gly352Glu; replaces glycine 352 with glutamic acid.
Molecular consequence: missense variant.
Genome position (GRCh38, 1-based): chr22:30,617,444, G>A. VCF-style: chr22-30617444-G-A. GRCh37 (hg19) VCF-style: chr22-31013431-G-A.
Other names: c.974G>A, p.Gly325Glu (NM_001184726.2); c.1055G>A (NM_000355.3); short protein forms G325E, G352E.
Identifiers: ClinVar variation 1438346 (VCV001438346.4), dbSNP rs778691896, ClinGen allele CA10184946.